The following is an entry in ClinVar:

NM_017841.4(SDHAF2):c.455G>T (p.Arg152Ile)

Gene: SDHAF2 (succinate dehydrogenase complex assembly factor 2; plus strand). Cytogenetic location: 11q12.2.
Variant type: single nucleotide variant.
Coding change: c.455G>T on transcript NM_017841.4 (MANE Select); coding-DNA position 455, G replaced by T.
Protein change: p.Arg152Ile; replaces arginine 152 with isoleucine.
Molecular consequence: missense variant.
Genome position (GRCh38, 1-based): chr11:61,446,025, G>T. VCF-style: chr11-61446025-G-T. GRCh37 (hg19) VCF-style: chr11-61213497-G-T.
Other names: short protein forms R152I.
Identifiers: ClinVar variation 5029243 (VCV005029243.1).
Genomic context (GRCh38, chr11:61,446,025, plus strand): 5'-TTGAAAATGAAGTCATGGCCCTGCTGAGAGACTTTGCTAAAAACAAAAACAAAGAGCAGA[G>T]ACTGCGTGCCCCAGATCTTGAGTACCTCTTTGAAAAGCCACGTTGAGCTGTGCTCCACGG-3'
Protein context (NP_060311.1, residues 142-162): DFAKNKNKEQ[Arg152Ile]LRAPDLEYLF

ClinVar aggregate classification (germline): Uncertain significance (1 of 4 stars; one submission).

Conditions:
Hereditary cancer-predisposing syndrome. Also called: Neoplastic Syndromes, Hereditary; Tumor predisposition; Hereditary neoplastic syndrome; Hereditary Cancer Syndrome. Identifiers: Orphanet 140162, MedGen C0027672, MeSH D009386, MONDO:0015356.

Submission:

Ambry Genetics
Classification: Uncertain significance for Hereditary cancer-predisposing syndrome. Last evaluated: 2026-07-07. Review status: criteria provided, single submitter. Criteria: Ambry Variant Classification Scheme 2023. Collection method: clinical testing. Allele origin: germline.
Comment: The p.R152I variant (also known as c.455G>T), located in coding exon 4 of the SDHAF2 gene, results from a G to T substitution at nucleotide position 455. The arginine at codon 152 is replaced by isoleucine, an amino acid with similar properties. This amino acid position is conserved. In addition, this alteration is predicted to be deleterious by in silico analysis. Based on the available evidence, the clinical significance of this variant remains unclear.